The following is an entry in ClinVar:

ClinVar aggregate classification (germline): Uncertain significance (1 of 4 stars; one submission).

Submission:

Labcorp Genetics (formerly Invitae), Labcorp
Classification: Uncertain significance. Last evaluated: 2025-10-26. Review status: criteria provided, single submitter. Criteria: Invitae Variant Classification Sherloc (09022015). Collection method: clinical testing. Allele origin: germline.
Comment: This sequence change creates a premature translational stop signal (p.Cys2865*) in the OTOG gene. While this is not anticipated to result in nonsense mediated decay, it is expected to disrupt the last 61 amino acid(s) of the OTOG protein. This variant is not present in population databases (gnomAD no frequency). This premature translational stop signal has been observed in individual(s) with deafness (internal data). Experimental studies and prediction algorithms are not available or were not evaluated, and the functional significance of this variant is currently unknown. In summary, the available evidence is currently insufficient to determine the role of this variant in disease. Therefore, it has been classified as a Variant of Uncertain Significance.

NM_001292063.2(OTOG):c.8559C>A (p.Cys2853Ter)

Gene: OTOG (otogelin; plus strand). Cytogenetic location: 11p15.1.
Variant type: single nucleotide variant.
Coding change: c.8559C>A on transcript NM_001292063.2 (MANE Select); coding-DNA position 8559, C replaced by A.
Protein change: p.Cys2853Ter; replaces cysteine 2853 with a stop codon.
Molecular consequence: nonsense.
Genome position (GRCh38, 1-based): chr11:17,645,761, C>A. VCF-style: chr11-17645761-C-A. GRCh37 (hg19) VCF-style: chr11-17667308-C-A.
Other names: c.8595C>A, p.Cys2865Ter (NM_001277269.2); short protein forms C2853*, C2865*.
Identifiers: ClinVar variation 4780568 (VCV004780568.1).